The following is an entry in ClinVar:

NM_012213.3(MLYCD):c.630G>C (p.Gln210His)

Gene: MLYCD (malonyl-CoA decarboxylase; plus strand). Cytogenetic location: 16q23.3.
Variant type: single nucleotide variant.
Coding change: c.630G>C on transcript NM_012213.3 (MANE Select); coding-DNA position 630, G replaced by C.
Protein change: p.Gln210His; replaces glutamine 210 with histidine.
Molecular consequence: missense variant.
Genome position (GRCh38, 1-based): chr16:83,907,088, G>C. VCF-style: chr16-83907088-G-C. GRCh37 (hg19) VCF-style: chr16-83940693-G-C.
Other names: short protein forms Q210H.
Identifiers: ClinVar variation 1417634 (VCV001417634.4), dbSNP rs761614015, ClinGen allele CA8197297.
Genomic context (GRCh38, chr16:83,907,088, plus strand): 5'-TTCCTCCGGGTTCCTGAACCTAGAACGGGTTACCTGGCATTCACCGTGTGAAGTGCTTCA[G>C]AAAATCAGTGAGTAAGTATTACGGTTTTCATTTTCTTTGTACATACATTTTTCATATATA-3'
Protein context (NP_036345.2, residues 200-220): VTWHSPCEVL[Gln210His]KISEAEAVHP

ClinVar aggregate classification (germline): Uncertain significance (1 of 4 stars; one submission).

Conditions:
Deficiency of malonyl-CoA decarboxylase. Also called: Malonic aciduria; MCD deficiency. Identifiers: Orphanet 943, MedGen C0342793, MONDO:0009556, OMIM 248360.

Allele frequency attached by ClinVar (database versions not stated): gnomAD 0.00001; ExAC 0.00002; gnomAD exomes 0.00002 and 0.00004; TOPMed 0.00003.
gnomAD v4.1: 12 of 1,612,380 alleles (0.00074%); highest among the groups gnomAD compares: Admixed American, 0.02%; no homozygotes.

Submission:

Labcorp Genetics (formerly Invitae), Labcorp
Classification: Uncertain significance for Deficiency of malonyl-CoA decarboxylase. Last evaluated: 2025-11-24. Review status: criteria provided, single submitter. Criteria: Invitae Variant Classification Sherloc (09022015). Collection method: clinical testing. Allele origin: germline.
Comment: This sequence change replaces glutamine, which is neutral and polar, with histidine, which is basic and polar, at codon 210 of the MLYCD protein (p.Gln210His). This variant is present in population databases (rs761614015, gnomAD 0.04%). This variant has not been reported in the literature in individuals affected with MLYCD-related conditions. ClinVar contains an entry for this variant (Variation ID: 1417634). An algorithm developed to predict the effect of missense changes on protein structure and function (PolyPhen-2) suggests that this variant is likely to be disruptive. In summary, the available evidence is currently insufficient to determine the role of this variant in disease. Therefore, it has been classified as a Variant of Uncertain Significance.